The following is an entry in ClinVar:

NM_013382.7(POMT2):c.2030C>A (p.Thr677Lys)

Gene: POMT2 (protein O-mannosyltransferase 2; minus strand). Cytogenetic location: 14q24.3.
Variant type: single nucleotide variant.
Coding change: c.2030C>A on transcript NM_013382.7 (MANE Select); coding-DNA position 2030, C replaced by A.
Protein change: p.Thr677Lys; replaces threonine 677 with lysine.
Molecular consequence: missense variant.
Genome position (GRCh38, 1-based): chr14:77,278,731, G>T on the plus strand (C>A on the coding strand, the complement: POMT2 is on the minus strand). VCF-style: chr14-77278731-G-T. GRCh37 (hg19) VCF-style: chr14-77745074-G-T.
Other names: c.2030C>A (NM_013382.5); short protein forms T677K.
Identifiers: ClinVar variation 1416391 (VCV001416391.8), dbSNP rs2140161863, ClinGen allele CA390513710.

ClinVar aggregate classification (germline): Uncertain significance. Review status: criteria provided, multiple submitters, no conflicts (2 of 4 stars). 2 submissions from 2 submitters: Uncertain significance (2). Last evaluated 2022-06-27.

Conditions:
Muscular dystrophy-dystroglycanopathy (congenital with brain and eye anomalies), type A2. Also called: MUSCULAR DYSTROPHY-DYSTROGLYCANOPATHY (CONGENITAL WITH BRAIN AND EYE ANOMALIES), TYPE A, 2; WALKER-WARBURG SYNDROME OR MUSCLE-EYE-BRAIN DISEASE, POMT2-RELATED. Identifiers: Orphanet 588, Orphanet 899, MedGen C3150411, MONDO:0013154, OMIM 613150.
Autosomal recessive limb-girdle muscular dystrophy type 2N. Also called: MUSCULAR DYSTROPHY-DYSTROGLYCANOPATHY, LIMB-GIRDLE, POMT2-RELATED; Muscular dystrophy-dystroglycanopathy (limb-girdle), type C, 2. Identifiers: Orphanet 206559, MedGen C3150418, MONDO:0013162, OMIM 613158.
Muscular dystrophy-dystroglycanopathy (congenital with impaired intellectual development), type B, 2. Also called: MUSCULAR DYSTROPHY, CONGENITAL, POMT2-RELATED; Muscular dystrophy-dystroglycanopathy (congenital with intellectual disability), type B2. Identifiers: MedGen C3150416, MONDO:0013160, OMIM 613156.

gnomAD v4.1: 3 of 1,613,918 alleles (0.00019%); highest among the groups gnomAD compares: Non-Finnish European, 0.00025%; no homozygotes.

Submissions (2):

Labcorp Genetics (formerly Invitae), Labcorp
Classification: Uncertain significance for Muscular dystrophy-dystroglycanopathy (congenital with impaired intellectual development), type B, 2; Muscular dystrophy-dystroglycanopathy (congenital with brain and eye anomalies), type A2; Autosomal recessive limb-girdle muscular dystrophy type 2N. Last evaluated: 2022-06-27. Review status: criteria provided, single submitter. Criteria: Invitae Variant Classification Sherloc (09022015). Collection method: clinical testing. Allele origin: germline.
Comment: This variant is not present in population databases (gnomAD no frequency). This sequence change replaces threonine, which is neutral and polar, with lysine, which is basic and polar, at codon 677 of the POMT2 protein (p.Thr677Lys). This variant has not been reported in the literature in individuals affected with POMT2-related conditions. In summary, the available evidence is currently insufficient to determine the role of this variant in disease. Therefore, it has been classified as a Variant of Uncertain Significance. Algorithms developed to predict the effect of missense changes on protein structure and function are either unavailable or do not agree on the potential impact of this missense change (SIFT: "Tolerated"; PolyPhen-2: "Possibly Damaging"; Align-GVGD: "Class C0").

Revvity Omics, Revvity
Classification: Uncertain significance. Last evaluated: 2021-05-17. Review status: criteria provided, single submitter. Criteria: ACMG Guidelines, 2015. Collection method: clinical testing. Allele origin: germline.